The following is an entry in ClinVar:

ClinVar aggregate classification (germline): Uncertain significance. Review status: criteria provided, multiple submitters, no conflicts (2 of 4 stars). 2 submissions from 2 submitters: Uncertain significance (2). Last evaluated 2022-11-18.

Allele frequency attached by ClinVar (database versions not stated): TOPMed 0.00001; gnomAD exomes 0.00002; gnomAD 0.00001; ExAC 0.00002.
gnomAD v4.1: 42 of 1,612,084 alleles (0.0026%); highest among the groups gnomAD compares: South Asian, 0.0055%; no homozygotes.

Submissions (2):

Labcorp Genetics (formerly Invitae), Labcorp
Classification: Uncertain significance. Last evaluated: 2022-11-18. Review status: criteria provided, single submitter. Criteria: Invitae Variant Classification Sherloc (09022015). Collection method: clinical testing. Allele origin: germline.
Comment: In summary, the available evidence is currently insufficient to determine the role of this variant in disease. Therefore, it has been classified as a Variant of Uncertain Significance. Advanced modeling of protein sequence and biophysical properties (such as structural, functional, and spatial information, amino acid conservation, physicochemical variation, residue mobility, and thermodynamic stability) has been performed at Invitae for this missense variant, however the output from this modeling did not meet the statistical confidence thresholds required to predict the impact of this variant on TRAP1 protein function. This variant has not been reported in the literature in individuals affected with TRAP1-related conditions. This variant is present in population databases (rs771557989, gnomAD 0.007%). This sequence change replaces serine, which is neutral and polar, with leucine, which is neutral and non-polar, at codon 473 of the TRAP1 protein (p.Ser473Leu).

Ambry Genetics
Classification: Uncertain significance. Last evaluated: 2022-09-29. Review status: criteria provided, single submitter. Criteria: Ambry Variant Classification Scheme 2023. Collection method: clinical testing. Allele origin: germline.

NM_016292.3(TRAP1):c.1418C>T (p.Ser473Leu)

Genes: DNASE1 (deoxyribonuclease 1; plus strand), TRAP1 (TNF receptor associated protein 1; minus strand). Cytogenetic location: 16p13.3.
Variant type: single nucleotide variant.
Coding change: c.1418C>T on transcript NM_016292.3 (MANE Select); coding-DNA position 1418, C replaced by T.
Protein change: p.Ser473Leu; replaces serine 473 with leucine.
Molecular consequence: missense variant. On other transcripts: 3 prime UTR variant (1).
Genome position (GRCh38, 1-based): chr16:3,664,425, G>A on the plus strand (C>T on the coding strand, the complement: TRAP1 is on the minus strand). VCF-style: chr16-3664425-G-A. GRCh37 (hg19) VCF-style: chr16-3714426-G-A.
Other names: c.1259C>T, p.Ser420Leu (NM_001272049.2); c.*1801G>A (NM_001387140.1); short protein forms S473L, S420L.
Identifiers: ClinVar variation 2082925 (VCV002082925.4), dbSNP rs771557989, ClinGen allele CA7868091.